The following is an entry in ClinVar:

ClinVar aggregate classification (germline): Uncertain significance (1 of 4 stars; one submission).

gnomAD v4.1: 11 of 1,614,212 alleles (0.00068%); highest among the groups gnomAD compares: South Asian, 0.0066%; no homozygotes.

Submission:

Labcorp Genetics (formerly Invitae), Labcorp
Classification: Uncertain significance. Last evaluated: 2024-12-08. Review status: criteria provided, single submitter. Criteria: Invitae Variant Classification Sherloc (09022015). Collection method: clinical testing. Allele origin: germline.
Comment: This sequence change replaces arginine, which is basic and polar, with cysteine, which is neutral and slightly polar, at codon 816 of the ERBB2 protein (p.Arg816Cys). This variant is present in population databases (rs542027040, gnomAD 0.01%). This variant has not been reported in the literature in individuals affected with ERBB2-related conditions. Invitae Evidence Modeling of protein sequence and biophysical properties (such as structural, functional, and spatial information, amino acid conservation, physicochemical variation, residue mobility, and thermodynamic stability) indicates that this missense variant is not expected to disrupt ERBB2 protein function with a negative predictive value of 80%. In summary, the available evidence is currently insufficient to determine the role of this variant in disease. Therefore, it has been classified as a Variant of Uncertain Significance.

NM_004448.4(ERBB2):c.2446C>T (p.Arg816Cys)

Gene: ERBB2 (erb-b2 receptor tyrosine kinase 2; plus strand). Cytogenetic location: 17q12.
Variant type: single nucleotide variant.
Coding change: c.2446C>T on transcript NM_004448.4 (MANE Select); coding-DNA position 2446, C replaced by T.
Protein change: p.Arg816Cys; replaces arginine 816 with cysteine.
Molecular consequence: missense variant. On other transcripts: non-coding transcript variant (1), intron variant (2).
Genome position (GRCh38, 1-based): chr17:39,724,864, C>T. VCF-style: chr17-39724864-C-T. GRCh37 (hg19) VCF-style: chr17-37881117-C-T.
Other names: c.2356C>T, p.Arg786Cys (NM_001005862.3, NM_001382782.1, NM_001382783.1); c.2401C>T, p.Arg801Cys (NM_001289936.2); c.2446C>T, p.Arg816Cys (NM_001289937.2, NM_001382798.1, NM_001382796.1); c.2563C>T, p.Arg855Cys (NM_001382784.1); c.2548C>T, p.Arg850Cys (NM_001382785.1); c.2527C>T, p.Arg843Cys (NM_001382786.1); c.2347C>T, p.Arg783Cys (NM_001382797.1); c.2266C>T, p.Arg756Cys (NM_001382799.1); and 13 more; short protein forms R470C, R540C, R855C, R783C, R801C, R843C, R786C, R800C.
Identifiers: ClinVar variation 3709592 (VCV003709592.2).